The following is an entry in ClinVar:

NM_001271.4(CHD2):c.3927G>T (p.Gln1309His)

Gene: CHD2 (chromodomain helicase DNA binding protein 2; plus strand). Cytogenetic location: 15q26.1.
Variant type: single nucleotide variant.
Coding change: c.3927G>T on transcript NM_001271.4 (MANE Select); coding-DNA position 3927, G replaced by T.
Protein change: p.Gln1309His; replaces glutamine 1309 with histidine.
Molecular consequence: missense variant.
Genome position (GRCh38, 1-based): chr15:92,998,540, G>T. VCF-style: chr15-92998540-G-T. GRCh37 (hg19) VCF-style: chr15-93541770-G-T.
Other names: short protein forms Q1309H.
Identifiers: ClinVar variation 1374748 (VCV001374748.8), dbSNP rs938005096, ClinGen allele CA274871958.

ClinVar aggregate classification (germline): Uncertain significance (1 of 4 stars; one submission).

Conditions:
Developmental and epileptic encephalopathy 94 (DEE94). Also called: CHD2-Related Neurodevelopmental Disorders; Epileptic encephalopathy, childhood-onset. Identifiers: Orphanet 1942, Orphanet 2382, MedGen C3809278, MONDO:0014150, OMIM 615369.

gnomAD v4.1: 1 of 1,613,978 alleles (0.000062%); no homozygotes.

Submission:

Labcorp Genetics (formerly Invitae), Labcorp
Classification: Uncertain significance for Developmental and epileptic encephalopathy 94. Last evaluated: 2025-07-02. Review status: criteria provided, single submitter. Criteria: Invitae Variant Classification Sherloc (09022015). Collection method: clinical testing. Allele origin: germline.
Comment: This sequence change replaces glutamine, which is neutral and polar, with histidine, which is basic and polar, at codon 1309 of the CHD2 protein (p.Gln1309His). This variant is not present in population databases (gnomAD no frequency). This variant has not been reported in the literature in individuals affected with CHD2-related conditions. ClinVar contains an entry for this variant (Variation ID: 1374748). Invitae Evidence Modeling of protein sequence and biophysical properties (such as structural, functional, and spatial information, amino acid conservation, physicochemical variation, residue mobility, and thermodynamic stability) indicates that this missense variant is not expected to disrupt CHD2 protein function with a negative predictive value of 95%. In summary, the available evidence is currently insufficient to determine the role of this variant in disease. Therefore, it has been classified as a Variant of Uncertain Significance.